The following is an entry in ClinVar:

NM_000091.5(COL4A3):c.2203C>T (p.Pro735Ser)

Genes: MFF-DT (MFF divergent transcript; minus strand), COL4A3 (collagen type IV alpha 3 chain; plus strand). Cytogenetic location: 2q36.3.
Variant type: single nucleotide variant.
Coding change: c.2203C>T on transcript NM_000091.5 (MANE Select); coding-DNA position 2203, C replaced by T.
Protein change: p.Pro735Ser; replaces proline 735 with serine.
Molecular consequence: missense variant.
Genome position (GRCh38, 1-based): chr2:227,279,870, C>T. VCF-style: chr2-227279870-C-T. GRCh37 (hg19) VCF-style: chr2-228144586-C-T.
Other names: short protein forms P735S.
Identifiers: ClinVar variation 2993175 (VCV002993175.3), dbSNP rs2469748274, ClinGen allele CA350847874.

ClinVar aggregate classification (germline): Uncertain significance (1 of 4 stars; one submission).

Allele frequency attached by ClinVar (database versions not stated): gnomAD exomes below 0.00001.

Submission:

Labcorp Genetics (formerly Invitae), Labcorp
Classification: Uncertain significance. Last evaluated: 2023-12-15. Review status: criteria provided, single submitter. Criteria: Invitae Variant Classification Sherloc (09022015). Collection method: clinical testing. Allele origin: germline.
Comment: This sequence change replaces proline, which is neutral and non-polar, with serine, which is neutral and polar, at codon 735 of the COL4A3 protein (p.Pro735Ser). This variant is not present in population databases (gnomAD no frequency). This variant has not been reported in the literature in individuals affected with COL4A3-related conditions. Advanced modeling of protein sequence and biophysical properties (such as structural, functional, and spatial information, amino acid conservation, physicochemical variation, residue mobility, and thermodynamic stability) has been performed at Invitae for this missense variant, however the output from this modeling did not meet the statistical confidence thresholds required to predict the impact of this variant on COL4A3 protein function. In summary, the available evidence is currently insufficient to determine the role of this variant in disease. Therefore, it has been classified as a Variant of Uncertain Significance.